The following is an entry in ClinVar:

NM_000277.3(PAH):c.1033G>T (p.Ala345Ser)

Gene: PAH (phenylalanine hydroxylase; minus strand). Cytogenetic location: 12q23.2.
Variant type: single nucleotide variant.
Coding change: c.1033G>T on transcript NM_000277.3 (MANE Select); coding-DNA position 1033, G replaced by T.
Protein change: p.Ala345Ser; replaces alanine 345 with serine.
Molecular consequence: missense variant.
Genome position (GRCh38, 1-based): chr12:102,844,368, C>A on the plus strand (G>T on the coding strand, the complement: PAH is on the minus strand). VCF-style: chr12-102844368-C-A. GRCh37 (hg19) VCF-style: chr12-103238146-C-A.
Other names: p.A345S:GCT>TCT; c.1033G>T, p.Ala345Ser (NM_001354304.2); c.1033G>T (NM_000277.2); short protein forms A345S.
Identifiers: ClinVar variation 102484 (VCV000102484.41), dbSNP rs62516062, ClinGen allele CA286497.

ClinVar aggregate classification (germline): Pathogenic. Review status: reviewed by expert panel (3 of 4 stars). 14 submissions from 14 submitters: Pathogenic (1). 13 of the submissions do not count toward it. Last evaluated 2020-06-05.

Conditions:
PAH-related disorder. Also called: PAH-related condition.
Phenylketonuria (PKU). Also called: FOLLING DISEASE; Phenylketonurias; OLIGOPHRENIA PHENYLPYRUVICA; Phenylketonuria (PKU). Identifiers: Orphanet 716, MedGen C0031485, MONDO:0009861, OMIM 261600. Disease mechanism: loss of function.

Allele frequency attached by ClinVar (database versions not stated): gnomAD 0.00001; ExAC 0.00002; gnomAD exomes 0.00002; TOPMed 0.00002.
gnomAD v4.1: 46 of 1,613,606 alleles (0.0029%); highest among the groups gnomAD compares: African/African-American, 0.004%; no homozygotes.

Submissions (14):

ClinGen PAH Variant Curation Expert Panel
Classification: Pathogenic for Phenylketonuria. Last evaluated: 2020-06-05. Review status: reviewed by expert panel. Criteria: ClinGen PAH ACMG Specifications v1. Collection method: curation. Allele origin: germline. Inheritance: Autosomal recessive inheritance.
Comment: The c.1033G>T (p.Ala345Ser) variant in PAH has been reported in multiple individuals with PAH deficiency. (PMID: 24368688, 17502162, 3430918). This variant has an extremely low allele frequency (MAF=0.00008) in gnomAD. It was detected with multiple pathogenic variants: p.R408W (in trans, PMID: 24368688); c.1045T>C, c.194T>C (PMID: 17502162); p.F39del, c.47_48delCT (aka c.43_44CT), c.1066-11G>A (PMID: 23430918); p.E280K, p.L348V, p.Y414C (PMID: 31623983). Multiple lines of computational evidence support a deleterious effect. In summary, this variant meets criteria to be classified as pathogenic for PAH. PAH-specific ACMG/AMP criteria applied: PM3_VS, PM2, PP3, PP4.

GeneDx
Classification: Pathogenic. Last evaluated: 2026-09-23. Review status: criteria provided, single submitter. Criteria: GeneDx Variant Classification Process June 2021. Collection method: clinical testing. Allele origin: germline. Not counted in ClinVar's aggregate classification.
Comment: Responsive to tetrahydrobiopterin (BH4) therapy is unclear (PMID: 23430918); In silico analysis supports that this missense variant has a deleterious effect on protein structure/function; Not observed at significant frequency in large population cohorts (gnomAD); This variant is associated with the following publications: (PMID: 24368688, 25525159, 14654665, 3430918, 17502162, 31623983, 32778825, 32668217, 23430918)

Labcorp Genetics (formerly Invitae), Labcorp
Classification: Pathogenic for Phenylketonuria. Last evaluated: 2025-11-18. Review status: criteria provided, single submitter. Criteria: Invitae Variant Classification Sherloc (09022015). Collection method: clinical testing. Allele origin: germline. Not counted in ClinVar's aggregate classification.
Comment: This sequence change replaces alanine, which is neutral and non-polar, with serine, which is neutral and polar, at codon 345 of the PAH protein (p.Ala345Ser). This variant is present in population databases (rs62516062, gnomAD 0.008%). This missense change has been observed in individual(s) with hyperphenylalaninemia (PMID: 17502162, 23430918, 24368688). In at least one individual the data is consistent with being in trans (on the opposite chromosome) from a pathogenic variant. ClinVar contains an entry for this variant (Variation ID: 102484). Invitae Evidence Modeling of protein sequence and biophysical properties (such as structural, functional, and spatial information, amino acid conservation, physicochemical variation, residue mobility, and thermodynamic stability) indicates that this missense variant is expected to disrupt PAH protein function with a positive predictive value of 80%. For these reasons, this variant has been classified as Pathogenic.

Natera, Inc.
Classification: Pathogenic for Phenylketonuria. Last evaluated: 2025-04-10. Review status: criteria provided, single submitter. Criteria: Natera Variant Classification Schema (03/2026). Collection method: clinical testing. Allele origin: germline. Not counted in ClinVar's aggregate classification.
Comment: The c.1033G>T variant in PAH is a missense variant predicted to cause substitution of alanine to serine at amino acid 345. This variant is rare in the general population with a frequency below the threshold expected for the associated phenotype(s). This variant has been observed in one or more individuals affected with the associated recessive disease, as either homozygous or compound heterozygous with a second variant (PMID: 23430918). Given the available evidence, this variant is classified as Pathogenic.

CeGaT Center for Human Genetics Tuebingen
Classification: Pathogenic. Last evaluated: 2025-04-01. Review status: criteria provided, single submitter. Criteria: CeGaT Center For Human Genetics Tuebingen Variant Classification Criteria Version 2. Collection method: clinical testing. Allele origin: germline. Affected: yes. Observed: 2 variant alleles. Not counted in ClinVar's aggregate classification.
Comment: PAH: PM3:Very Strong, PM2, PM5, PP4:Moderate

Victorian Clinical Genetics Services, Murdoch Childrens Research Institute
Classification: Pathogenic for Phenylketonuria. Last evaluated: 2024-10-09. Review status: criteria provided, single submitter. Criteria: ACMG Guidelines, 2015. Collection method: clinical testing. Allele origin: germline. Inheritance: Autosomal recessive inheritance. Affected: no. Not counted in ClinVar's aggregate classification.
Comment: Based on the classification scheme VCGS_Germline_v1.3.4, this variant is classified as Pathogenic. Following criteria are met: 0102 - Loss of function is a known mechanism of disease in this gene and is associated with phenylketonuria (MIM#261600). (I)) 0106 - This gene is associated with autosomal recessive disease. (I) 0200 - Variant is predicted to result in a missense amino acid change from alanine to serine. (I) 0251 - This variant is heterozygous. (I) 0304 - Variant is present in gnomAD (v2) <0.01 for a recessive condition (5 heterozygote, 0 homozygotes). (SP) 0501 - Missense variant consistently predicted to be damaging by multiple in silico tools or highly conserved with a major amino acid change. (SP) 0600 - Variant is located in the annotated biopterin_H domain (DECIPHER). (I) 0801 - This variant has strong previous evidence of pathogenicity in unrelated individuals. This variant has been classified as pathogenic by multiple clinical laboratories in ClinVar and is classified as pathogenic by an expert panel. (SP) Legend: (SP) - Supporting pathogenic, (I) - Information, (SB) - Supporting benign

Quest Diagnostics Nichols Institute San Juan Capistrano
Classification: Pathogenic. Last evaluated: 2022-10-21. Review status: criteria provided, single submitter. Criteria: Quest Diagnostics criteria. Collection method: clinical testing. Allele origin: unknown. Not counted in ClinVar's aggregate classification.
Comment: The frequency of this variant in the general population, 0.000023 (3/129068 chromosomes), is uninformative in assessment of its pathogenicity. In the published literature, the variant is associated with a variable phenotype that ranges from non-PKU hyperphenylalaninemia to classic PKU (PMIDs: 32668217 (2020), 24368688 (2014), 23430918 (2012), 17502162 (2007), and 12173030 (2002)). In addition, this variant has been observed in individuals with reported PAH deficiency (PMID: 24368688 (2014) and 17502162 (2007)). Analysis of this variant using bioinformatics tools for the prediction of the effect of amino acid changes on protein structure and function yielded predictions that this variant is damaging. Based on the available information, this variant is classified as pathogenic.

Blueprint Genetics
Classification: Pathogenic for PAH-related disorders. Last evaluated: 2019-05-20. Review status: criteria provided, single submitter. Criteria: ACMG Guidelines, 2015. Collection method: clinical testing. Allele origin: germline. Affected: yes. Observed: 2 variant alleles. Not counted in ClinVar's aggregate classification.

Fulgent Genetics
Classification: Pathogenic for Phenylketonuria. Last evaluated: 2018-10-31. Review status: criteria provided, single submitter. Criteria: ACMG Guidelines, 2015. Collection method: clinical testing. Allele origin: unknown. Not counted in ClinVar's aggregate classification.

Women's Health and Genetics/Laboratory Corporation of America, LabCorp
Classification: Pathogenic for Phenylketonuria. Last evaluated: 2017-03-30. Review status: criteria provided, single submitter. Criteria: LabCorp Variant Classification Summary - May 2015. Collection method: clinical testing. Allele origin: germline. Not counted in ClinVar's aggregate classification.
Comment: Variant summary: The PAH c.1033G>T (p.Ala345Ser) variant involves the alteration of a conserved nucleotide, resulting in a missense substitution. The variant lies within the C-terminal aromatic amino acid hydroxylase domain (InterPro) and 4/5 in silico tools predict a damaging outcome for this variant. This variant was found in the large control database ExAC at a frequency of 0.0000166 (2/120330 control chromosomes), which does not exceed the estimated maximal expected allele frequency of a pathogenic PAH variant (0.0079057). Published studies have identified the variant in numerous with patients with PKU and/or HPA, including reports of this variant in compound heterozygosity with other pathogenic/likely pathogenic variants and evidence that the variant cosegregates with disease in a family (Ho_JIMDReports_2013). Additionally, one publication that analyzed the crystal structure of PAH protein reported that the variant of interest is one of "three residues in the active site that are located near the (putative) location of substrate binding or in the region near the catalytic iron" sites, suggesting the variant likely disrupts the critical functions of the protein (Erlandsen_Pediatrics_2003). There are no published in vitro functional studies for the variant; however calculation of the energetic impact (G) by structural modeling shows that this variant leads to lower impact on PAH stability and predicted to cause mild hyperphenylalaninemia (Pey_2007). Multiple clinical diagnostic laboratories/reputable databases classified this variant as pathogenic. Taken together, this variant is classified as pathogenic.

Center for Pediatric Genomic Medicine, Children's Mercy Hospital and Clinics
Classification: Pathogenic. Last evaluated: 2014-12-04. Review status: criteria provided, single submitter. Criteria: ACMG Guidelines, 2015. Collection method: clinical testing. Allele origin: germline. Not counted in ClinVar's aggregate classification.

PreventionGenetics, part of Exact Sciences
Classification: Pathogenic for PAH-related condition. Last evaluated: 2024-06-03. Review status: no assertion criteria provided. Collection method: clinical testing. Allele origin: germline. Not counted in ClinVar's aggregate classification.
Comment: The PAH c.1033G>T variant is predicted to result in the amino acid substitution p.Ala345Ser. This variant has been reported in the compound heterozygous state in multiple unrelated patients with PAH-related disorders (Sarkissian et al. 2012. PubMed ID: 23430918; Ho et al. 2014. PubMed ID: 24368688). The patient reported by Ho and colleagues presented with non-PKU hyperphenylalaninemia. A different change to the same amino acid (c.1033G>A, p.Ala345Thr) has also been reported to be causative for phenylalanine hydroxylase deficiency (Eisensmith and Woo. 1992. PubMed ID: 1301187; Karacic et al. 2009. PubMed ID: 19394257). The c.1033G>T (p.Ala345Ser) variant has been interpreted as pathogenic by the ClinGen PAH Variant Curation Expert Panel, as well as multiple other laboratories. It is reported in 0.0080% of alleles in individuals of African descent in gnomAD. Based on the collective evidence, this variant is interpreted as pathogenic.

Counsyl
Classification: Likely pathogenic for Phenylketonuria. Last evaluated: 2017-01-17. Review status: no assertion criteria provided. Collection method: clinical testing. Allele origin: unknown. Not counted in ClinVar's aggregate classification.

DeBelle Laboratory for Biochemical Genetics, MUHC/MCH RESEARCH INSTITUTE
No classification provided. Review status: no classification provided. Collection method: not provided. Allele origin: not provided. Not counted in ClinVar's aggregate classification.

Literature cited by the submitters: PubMed 24368688 (cited by 5 submitters); PubMed 17502162 (cited by 4 submitters); PubMed 23430918 (cited by 5 submitters); PubMed 14654665 (cited by 3 submitters); PubMed 12173030 (cited by Quest Diagnostics Nichols Institute San Juan Capistrano and Counsyl); PubMed 32778825 (cited by Quest Diagnostics Nichols Institute San Juan Capistrano); PubMed 32668217 (cited by Quest Diagnostics Nichols Institute San Juan Capistrano); PubMed 8825928 (cited by Quest Diagnostics Nichols Institute San Juan Capistrano); PubMed 17924342 (cited by Counsyl).